The following is an entry in ClinVar:

NM_012268.4(PLD3):c.724C>G (p.Arg242Gly)

Gene: PLD3 (phospholipase D family member 3; plus strand). Cytogenetic location: 19q13.2.
Variant type: single nucleotide variant.
Coding change: c.724C>G on transcript NM_012268.4 (MANE Select); coding-DNA position 724, C replaced by G.
Protein change: p.Arg242Gly; replaces arginine 242 with glycine.
Molecular consequence: missense variant.
Genome position (GRCh38, 1-based): chr19:40,371,718, C>G. VCF-style: chr19-40371718-C-G. GRCh37 (hg19) VCF-style: chr19-40877625-C-G.
Other names: c.724C>G, p.Arg242Gly (NM_001031696.4, NM_001291311.2); short protein forms R242G.
Identifiers: ClinVar variation 2062803 (VCV002062803.4), dbSNP rs749875620, ClinGen allele CA9442815.
Genomic context (GRCh38, chr19:40,371,718, plus strand): 5'-ACTGCCCTCCTACAGGTCAAGGAGCTGGGCGTGGTCATGTACAACTGCAGCTGCCTGGCT[C>G]GAGACCTGACCAAGATCTTTGAGGCCTACTGGTTCCTGGGCCAGGCAGGCAGCTCCATCC-3'
Protein context (NP_036400.2, residues 232-252): VVMYNCSCLA[Arg242Gly]DLTKIFEAYW

ClinVar aggregate classification (germline): Uncertain significance (1 of 4 stars; one submission).

Allele frequency attached by ClinVar (database versions not stated): ExAC 0.00003.
gnomAD v4.1: 6 of 1,613,820 alleles (0.00037%); highest among the groups gnomAD compares: Admixed American, 0.01%; no homozygotes.

Submission:

Labcorp Genetics (formerly Invitae), Labcorp
Classification: Uncertain significance. Last evaluated: 2026-01-19. Review status: criteria provided, single submitter. Criteria: Invitae Variant Classification Sherloc (09022015). Collection method: clinical testing. Allele origin: germline.
Comment: This sequence change replaces arginine, which is basic and polar, with glycine, which is neutral and non-polar, at codon 242 of the PLD3 protein (p.Arg242Gly). This variant is present in population databases (rs749875620, gnomAD 0.01%). This variant has not been reported in the literature in individuals affected with PLD3-related conditions. ClinVar contains an entry for this variant (Variation ID: 2062803). An algorithm developed to predict the effect of missense changes on protein structure and function (PolyPhen-2) suggests that this variant is likely to be tolerated. In summary, the available evidence is currently insufficient to determine the role of this variant in disease. Therefore, it has been classified as a Variant of Uncertain Significance.